The following is an entry in ClinVar:

ClinVar aggregate classification (germline): Uncertain significance (1 of 4 stars; one submission).

Conditions:
Danon disease. Also called: PSEUDOGLYCOGENOSIS II; GSD IIb; LYSOSOMAL GLYCOGEN STORAGE DISEASE WITHOUT ACID MALTASE DEFICIENCY; Glycogen Storage Disease Type IIb; ANTOPOL DISEASE. Identifiers: Orphanet 34587, MedGen C0878677, MONDO:0010281, OMIM 300257.

Allele frequency attached by ClinVar (database versions not stated): gnomAD exomes below 0.00001.
gnomAD v4.1: 1 of 1,202,704 alleles (0.000083%); highest among the groups gnomAD compares: Admixed American, 0.0022%; no homozygotes.

Submission:

Labcorp Genetics (formerly Invitae), Labcorp
Classification: Uncertain significance for Danon disease. Last evaluated: 2023-10-23. Review status: criteria provided, single submitter. Criteria: Invitae Variant Classification Sherloc (09022015). Collection method: clinical testing. Allele origin: germline.
Comment: This sequence change replaces arginine, which is basic and polar, with lysine, which is basic and polar, at codon 152 of the LAMP2 protein (p.Arg152Lys). This variant is present in population databases (no rsID available, gnomAD 0.008%), including at least one homozygous and/or hemizygous individual. This variant has not been reported in the literature in individuals affected with LAMP2-related conditions. Advanced modeling of protein sequence and biophysical properties (such as structural, functional, and spatial information, amino acid conservation, physicochemical variation, residue mobility, and thermodynamic stability) performed at Invitae indicates that this missense variant is not expected to disrupt LAMP2 protein function with a negative predictive value of 80%. In summary, the available evidence is currently insufficient to determine the role of this variant in disease. Therefore, it has been classified as a Variant of Uncertain Significance.

NM_002294.3(LAMP2):c.455G>A (p.Arg152Lys)

Gene: LAMP2 (lysosome associated membrane protein 2; minus strand). Cytogenetic location: Xq24.
Variant type: single nucleotide variant.
Coding change: c.455G>A on transcript NM_002294.3 (MANE Select); coding-DNA position 455, G replaced by A.
Protein change: p.Arg152Lys; replaces arginine 152 with lysine.
Molecular consequence: missense variant.
Genome position (GRCh38, 1-based): chrX:120,449,071, C>T on the plus strand (G>A on the coding strand, the complement: LAMP2 is on the minus strand). VCF-style: chrX-120449071-C-T. GRCh37 (hg19) VCF-style: chrX-119582926-C-T.
Other names: c.455G>A, p.Arg152Lys (NM_013995.2, NM_001122606.1); short protein forms R152K.
Identifiers: ClinVar variation 2898726 (VCV002898726.3), dbSNP rs1238020873, ClinGen allele CA414402205.